The following is an entry in ClinVar:

ClinVar aggregate classification (germline): Likely benign. Review status: criteria provided, single submitter (1 of 4 stars). 2 submissions from 2 submitters: Likely benign (1). 1 of the submissions does not count toward it. Last evaluated 2023-10-18.

Conditions:
PEX14-related disorder. Also called: PEX14-related condition.
Peroxisome biogenesis disorder, complementation group K (CGK). Identifiers: MedGen C1866257, MONDO:0800365.

Submissions (2):

Labcorp Genetics (formerly Invitae), Labcorp
Classification: Likely benign for Peroxisome biogenesis disorder, complementation group K. Last evaluated: 2023-10-18. Review status: criteria provided, single submitter. Criteria: Invitae Variant Classification Sherloc (09022015). Collection method: clinical testing. Allele origin: germline.

PreventionGenetics, part of Exact Sciences
Classification: Likely benign for PEX14-related condition. Last evaluated: 2023-07-20. Review status: no assertion criteria provided. Collection method: clinical testing. Allele origin: germline. Not counted in ClinVar's aggregate classification.
Comment: This variant is classified as likely benign based on ACMG/AMP sequence variant interpretation guidelines (Richards et al. 2015 PMID: 25741868, with internal and published modifications).

NM_004565.3(PEX14):c.447G>A (p.Glu149=)

Gene: PEX14 (peroxisomal biogenesis factor 14; plus strand). Cytogenetic location: 1p36.22.
Variant type: single nucleotide variant.
Coding change: c.447G>A on transcript NM_004565.3 (MANE Select); coding-DNA position 447, G replaced by A.
Protein change: p.Glu149=; no amino-acid change (glutamic acid 149 retained).
Molecular consequence: synonymous variant.
Genome position (GRCh38, 1-based): chr1:10,623,081, G>A. VCF-style: chr1-10623081-G-A. GRCh37 (hg19) VCF-style: chr1-10683138-G-A.
Other names: c.447G>A (NM_004565.2).
Identifiers: ClinVar variation 2114956 (VCV002114956.6), dbSNP rs2521867687, ClinGen allele CA415885798.